The following is an entry in ClinVar:

ClinVar aggregate classification (germline): Uncertain significance (1 of 4 stars; one submission).

Conditions:
Glycogen storage disease IXd (GSD9D). Also called: Muscle Phosphorylase Kinase Deficiency; GSD IXd. Identifiers: Orphanet 715, MedGen C1845151, MONDO:0010362, OMIM 300559.

Submission:

Labcorp Genetics (formerly Invitae), Labcorp
Classification: Uncertain significance for Glycogen storage disease IXd. Last evaluated: 2023-06-25. Review status: criteria provided, single submitter. Criteria: Invitae Variant Classification Sherloc (09022015). Collection method: clinical testing. Allele origin: germline.
Comment: In summary, the available evidence is currently insufficient to determine the role of this variant in disease. Therefore, it has been classified as a Variant of Uncertain Significance. Advanced modeling of protein sequence and biophysical properties (such as structural, functional, and spatial information, amino acid conservation, physicochemical variation, residue mobility, and thermodynamic stability) performed at Invitae indicates that this missense variant is not expected to disrupt PHKA1 protein function. This variant has not been reported in the literature in individuals affected with PHKA1-related conditions. This variant is not present in population databases (gnomAD no frequency). This sequence change replaces alanine, which is neutral and non-polar, with valine, which is neutral and non-polar, at codon 585 of the PHKA1 protein (p.Ala585Val).

NM_002637.4(PHKA1):c.1754C>T (p.Ala585Val)

Gene: PHKA1 (phosphorylase kinase regulatory subunit alpha 1; minus strand). Cytogenetic location: Xq13.1.
Variant type: single nucleotide variant.
Coding change: c.1754C>T on transcript NM_002637.4 (MANE Select); coding-DNA position 1754, C replaced by T.
Protein change: p.Ala585Val; replaces alanine 585 with valine.
Molecular consequence: missense variant.
Genome position (GRCh38, 1-based): chrX:72,627,010, G>A on the plus strand (C>T on the coding strand, the complement: PHKA1 is on the minus strand). VCF-style: chrX-72627010-G-A. GRCh37 (hg19) VCF-style: chrX-71846860-G-A.
Other names: c.1754C>T, p.Ala585Val (NM_001122670.2, NM_001172436.2); short protein forms A585V.
Identifiers: ClinVar variation 2717661 (VCV002717661.3), dbSNP rs2522515498, ClinGen allele CA413591775.
Genomic context (GRCh38, chrX:72,627,010, plus strand): 5'-GAGTGTATAGAGGTCACTTACCTTGCCCCACCAAAATACCCATCTTGCATTTTTCGGAGT[G>A]CTGCCAGGATACTTGAATTCAAGCTTGTTCCATCTTCATCTTGAAATGAACAGAATTTTA-3'
Protein context (NP_002628.2, residues 575-595): GTSLNSSILA[Ala585Val]LRKMQDGYFG